The following is an entry in ClinVar:

NM_001365276.2(TNXB):c.4514T>C (p.Ile1505Thr)

Gene: TNXB (tenascin XB; minus strand). Cytogenetic location: 6p21.33.
Variant type: single nucleotide variant.
Coding change: c.4514T>C on transcript NM_001365276.2 (MANE Select); coding-DNA position 4514, T replaced by C.
Protein change: p.Ile1505Thr; replaces isoleucine 1505 with threonine.
Molecular consequence: missense variant.
Genome position (GRCh38, 1-based): chr6:32,073,814, A>G on the plus strand (T>C on the coding strand, the complement: TNXB is on the minus strand). VCF-style: chr6-32073814-A-G. GRCh37 (hg19) VCF-style: chr6-32041591-A-G.
Other names: c.5255T>C, p.Ile1752Thr (NM_001428335.1); c.4514T>C, p.Ile1505Thr (NM_019105.8); short protein forms I1752T, I1505T.
Identifiers: ClinVar variation 4615159 (VCV004615159.1).

ClinVar aggregate classification (germline): Uncertain significance (1 of 4 stars; one submission).

Conditions:
Cardiovascular phenotype. Identifiers: MedGen CN230736.

gnomAD v4.1: 1 of 1,612,698 alleles (0.000062%); highest among the groups gnomAD compares: African/African-American, 0.0013%; no homozygotes.

Submission:

Ambry Genetics
Classification: Uncertain significance for Cardiovascular phenotype. Last evaluated: 2025-10-25. Review status: criteria provided, single submitter. Criteria: Ambry Variant Classification Scheme 2023. Collection method: clinical testing. Allele origin: germline.
Comment: The p.I1505T variant (also known as c.4514T>C), located in coding exon 11 of the TNXB gene, results from a T to C substitution at nucleotide position 4514. The isoleucine at codon 1505 is replaced by threonine, an amino acid with similar properties. This amino acid position is conserved. In addition, this alteration is predicted to be tolerated by in silico analysis. Based on the available evidence, the clinical significance of this variant remains unclear.